The following is an entry in ClinVar:

ClinVar aggregate classification (germline): Uncertain significance (1 of 4 stars; one submission).

Allele frequency attached by ClinVar (database versions not stated): gnomAD exomes below 0.00001; TOPMed 0.00001.
gnomAD v4.1: 2 of 1,601,840 alleles (0.00012%); highest among the groups gnomAD compares: Admixed American, 0.0017%; no homozygotes.

Submission:

Labcorp Genetics (formerly Invitae), Labcorp
Classification: Uncertain significance. Last evaluated: 2024-11-18. Review status: criteria provided, single submitter. Criteria: Invitae Variant Classification Sherloc (09022015). Collection method: clinical testing. Allele origin: germline.
Comment: This sequence change replaces threonine, which is neutral and polar, with serine, which is neutral and polar, at codon 68 of the LAT protein (p.Thr68Ser). This variant is not present in population databases (gnomAD no frequency). This variant has not been reported in the literature in individuals affected with LAT-related conditions. ClinVar contains an entry for this variant (Variation ID: 2183271). An algorithm developed to predict the effect of missense changes on protein structure and function (PolyPhen-2) suggests that this variant is likely to be disruptive. In summary, the available evidence is currently insufficient to determine the role of this variant in disease. Therefore, it has been classified as a Variant of Uncertain Significance.

NM_001014987.2(LAT):c.202A>T (p.Thr68Ser)

Gene: LAT (linker for activation of T cells; plus strand). Cytogenetic location: 16p11.2.
Variant type: single nucleotide variant.
Coding change: c.202A>T on transcript NM_001014987.2 (MANE Select); coding-DNA position 202, A replaced by T.
Protein change: p.Thr68Ser; replaces threonine 68 with serine.
Molecular consequence: missense variant.
Genome position (GRCh38, 1-based): chr16:28,986,173, A>T. VCF-style: chr16-28986173-A-T. GRCh37 (hg19) VCF-style: chr16-28997494-A-T.
Other names: c.202A>T, p.Thr68Ser (NM_001014988.2, NM_014387.4); c.310A>T, p.Thr104Ser (NM_001014989.2); short protein forms T68S, T104S.
Identifiers: ClinVar variation 2183271 (VCV002183271.4), dbSNP rs1965745907, ClinGen allele CA395440060.